The following is an entry in ClinVar:

ClinVar aggregate classification (germline): Uncertain significance. Review status: criteria provided, multiple submitters, no conflicts (2 of 4 stars). 2 submissions from 2 submitters: Uncertain significance (2). Last evaluated 2023-05-15.

Allele frequency attached by ClinVar (database versions not stated): gnomAD exomes below 0.00001; TOPMed below 0.00001.

Submissions (2):

Labcorp Genetics (formerly Invitae), Labcorp
Classification: Uncertain significance. Last evaluated: 2023-05-15. Review status: criteria provided, single submitter. Criteria: Invitae Variant Classification Sherloc (09022015). Collection method: clinical testing. Allele origin: germline.
Comment: This sequence change replaces glutamic acid, which is acidic and polar, with aspartic acid, which is acidic and polar, at codon 24 of the CNGB1 protein (p.Glu24Asp). This variant is not present in population databases (gnomAD no frequency). This variant has not been reported in the literature in individuals affected with CNGB1-related conditions. ClinVar contains an entry for this variant (Variation ID: 1968241). In summary, the available evidence is currently insufficient to determine the role of this variant in disease. Therefore, it has been classified as a Variant of Uncertain Significance. Advanced modeling of protein sequence and biophysical properties (such as structural, functional, and spatial information, amino acid conservation, physicochemical variation, residue mobility, and thermodynamic stability) performed at Invitae indicates that this missense variant is not expected to disrupt CNGB1 protein function.

Blueprint Genetics
Classification: Uncertain significance. Last evaluated: 2020-07-24. Review status: criteria provided, single submitter. Criteria: ACMG Guidelines, 2015. Collection method: clinical testing. Allele origin: germline.

NM_001297.5(CNGB1):c.72A>T (p.Glu24Asp)

Gene: CNGB1 (cyclic nucleotide gated channel subunit beta 1; minus strand). Cytogenetic location: 16q21.
Variant type: single nucleotide variant.
Coding change: c.72A>T on transcript NM_001297.5 (MANE Select); coding-DNA position 72, A replaced by T.
Protein change: p.Glu24Asp; replaces glutamic acid 24 with aspartic acid.
Molecular consequence: missense variant.
Genome position (GRCh38, 1-based): chr16:57,967,215, T>A on the plus strand (A>T on the coding strand, the complement: CNGB1 is on the minus strand). VCF-style: chr16-57967215-T-A. GRCh37 (hg19) VCF-style: chr16-58001119-T-A.
Other names: c.72A>T, p.Glu24Asp (NM_001135639.2, NM_001286130.2); short protein forms E24D.
Identifiers: ClinVar variation 1968241 (VCV001968241.6), dbSNP rs1962422041, ClinGen allele CA396063958.